The following is an entry in ClinVar:

NM_002626.6(PFKL):c.453G>C (p.Arg151=)

Gene: PFKL (phosphofructokinase, liver type; plus strand). Cytogenetic location: 21q22.3.
Variant type: single nucleotide variant.
Coding change: c.453G>C on transcript NM_002626.6 (MANE Select); coding-DNA position 453, G replaced by C.
Protein change: p.Arg151=; no amino-acid change (arginine 151 retained).
Molecular consequence: synonymous variant.
Genome position (GRCh38, 1-based): chr21:44,313,003, G>C. VCF-style: chr21-44313003-G-C. GRCh37 (hg19) VCF-style: chr21-45732886-G-C.
Other names: c.603G>C, p.Arg201= (NM_001002021.3).
Identifiers: ClinVar variation 3061136 (VCV003061136.2), dbSNP rs1465747037, ClinGen allele CA512489390.

ClinVar aggregate classification (germline): Likely benign (0 of 4 stars; one submission).

Conditions:
PFKL-related disorder. Also called: PFKL-related condition.

Allele frequency attached by ClinVar (database versions not stated): gnomAD 0.00001; gnomAD exomes 0.00001; TOPMed 0.00001.
gnomAD v4.1: 9 of 1,612,922 alleles (0.00056%); highest among the groups gnomAD compares: Middle Eastern, 0.016%; no homozygotes.

Submission:

PreventionGenetics, part of Exact Sciences
Classification: Likely benign for PFKL-related condition. Last evaluated: 2023-03-22. Review status: no assertion criteria provided. Collection method: clinical testing. Allele origin: germline.
Comment: This variant is classified as likely benign based on ACMG/AMP sequence variant interpretation guidelines (Richards et al. 2015 PMID: 25741868, with internal and published modifications).